The following is an entry in ClinVar:

ClinVar aggregate classification (germline): Uncertain significance (1 of 4 stars; one submission).

Conditions:
Baller-Gerold syndrome (BGS). Also called: CRANIOSYNOSTOSIS WITH RADIAL DEFECTS. Identifiers: Orphanet 1225, MedGen C0265308, MONDO:0009039, OMIM 218600.

Allele frequency attached by ClinVar (database versions not stated): gnomAD exomes below 0.00001.
gnomAD v4.1: 1 of 1,574,458 alleles (0.000064%); highest among the groups gnomAD compares: East Asian, 0.0023%; no homozygotes.

Submission:

Labcorp Genetics (formerly Invitae), Labcorp
Classification: Uncertain significance for Baller-Gerold syndrome. Last evaluated: 2021-02-06. Review status: criteria provided, single submitter. Criteria: Invitae Variant Classification Sherloc (09022015). Collection method: clinical testing. Allele origin: germline.
Comment: In summary, the available evidence is currently insufficient to determine the role of this variant in disease. Therefore, it has been classified as a Variant of Uncertain Significance. This variant has not been reported in the literature in individuals with RECQL4-related conditions. This variant is not present in population databases (ExAC no frequency). This sequence change replaces alanine with threonine at codon 69 of the RECQL4 protein (p.Ala69Thr). The alanine residue is moderately conserved and there is a small physicochemical difference between alanine and threonine.

NM_004260.4(RECQL4):c.205G>A (p.Ala69Thr)

Gene: RECQL4 (RecQ like helicase 4; minus strand). Cytogenetic location: 8q24.3.
Variant type: single nucleotide variant.
Coding change: c.205G>A on transcript NM_004260.4 (MANE Select); coding-DNA position 205, G replaced by A.
Protein change: p.Ala69Thr; replaces alanine 69 with threonine.
Molecular consequence: missense variant.
Genome position (GRCh38, 1-based): chr8:144,517,422, C>T on the plus strand (G>A on the coding strand, the complement: RECQL4 is on the minus strand). VCF-style: chr8-144517422-C-T. GRCh37 (hg19) VCF-style: chr8-145742806-C-T.
Other names: short protein forms A69T.
Identifiers: ClinVar variation 1357891 (VCV001357891.6), dbSNP rs2130740225, ClinGen allele CA372692498.